The following is an entry in ClinVar:

ClinVar aggregate classification (germline): Uncertain significance. Review status: criteria provided, multiple submitters, no conflicts (2 of 4 stars). 2 submissions from 2 submitters: Uncertain significance (2). Last evaluated 2024-08-06.

Conditions:
Monosomy 7 myelodysplasia and leukemia syndrome 2. Identifiers: MedGen C5436668, MONDO:0030801, OMIM 619041.

Submissions (2):

3billion
Classification: Uncertain significance for Monosomy 7 myelodysplasia and leukemia syndrome 2. Last evaluated: 2024-08-06. Review status: criteria provided, single submitter. Criteria: ACMG Guidelines, 2015. Collection method: clinical testing. Allele origin: germline. Affected: yes.
Comment: The variant is not observed in the gnomAD v4.0.0 dataset. Predicted Consequence/Location: Missense variant In silico tool predictions suggest no damaging effect of the variant on gene or gene product [REVEL: 0.04 (<0.4); 3Cnet: 0.06 (<0.15, specificity 0.78 and negative predictive value 0.92)]. The variant has been reported as of uncertain significance (ClinVar ID: VCV002765001). Therefore, this variant is classified as VUS according to the recommendation of ACMG/AMP guideline.

Labcorp Genetics (formerly Invitae), Labcorp
Classification: Uncertain significance. Last evaluated: 2023-10-04. Review status: criteria provided, single submitter. Criteria: Invitae Variant Classification Sherloc (09022015). Collection method: clinical testing. Allele origin: germline.
Comment: This sequence change replaces alanine, which is neutral and non-polar, with valine, which is neutral and non-polar, at codon 1457 of the SAMD9 protein (p.Ala1457Val). This variant is not present in population databases (gnomAD no frequency). This variant has not been reported in the literature in individuals affected with SAMD9-related conditions. Advanced modeling of protein sequence and biophysical properties (such as structural, functional, and spatial information, amino acid conservation, physicochemical variation, residue mobility, and thermodynamic stability) performed at Invitae indicates that this missense variant is not expected to disrupt SAMD9 protein function. In summary, the available evidence is currently insufficient to determine the role of this variant in disease. Therefore, it has been classified as a Variant of Uncertain Significance.

NM_017654.4(SAMD9):c.4370C>T (p.Ala1457Val)

Gene: SAMD9 (sterile alpha motif domain containing 9; minus strand). Cytogenetic location: 7q21.2.
Variant type: single nucleotide variant.
Coding change: c.4370C>T on transcript NM_017654.4 (MANE Select); coding-DNA position 4370, C replaced by T.
Protein change: p.Ala1457Val; replaces alanine 1457 with valine.
Molecular consequence: missense variant.
Genome position (GRCh38, 1-based): chr7:93,101,728, G>A on the plus strand (C>T on the coding strand, the complement: SAMD9 is on the minus strand). VCF-style: chr7-93101728-G-A. GRCh37 (hg19) VCF-style: chr7-92731041-G-A.
Other names: c.4370C>T, p.Ala1457Val (NM_001193307.2); short protein forms A1457V.
Identifiers: ClinVar variation 2765001 (VCV002765001.4), dbSNP rs2535353538, ClinGen allele CA368179204.